The following is an entry in ClinVar:

ClinVar aggregate classification (germline): Likely benign. Review status: criteria provided, single submitter (1 of 4 stars). 2 submissions from 2 submitters: Likely benign (1). 1 of the submissions does not count toward it. Last evaluated 2024-08-20.

Conditions:
Ornithine carbamoyltransferase deficiency (OTCD). Also called: ORNITHINE TRANSCARBAMYLASE DEFICIENCY; ORNITHINE TRANSCARBAMYLASE DEFICIENCY, HYPERAMMONEMIA DUE TO; OTC DEFICIENCY; Ornithine Carbamoyltransferase Deficiency Disease. Identifiers: Orphanet 664, MedGen C0268542, MONDO:0010703, OMIM 311250.
OTC-related disorder. Also called: OTC-related condition.

Allele frequency attached by ClinVar (database versions not stated): gnomAD 0.00001; gnomAD exomes 0.00001.
gnomAD v4.1: 9 of 1,168,757 alleles (0.00077%); highest among the groups gnomAD compares: South Asian, 0.0018%; no homozygotes.

Submissions (2):

Labcorp Genetics (formerly Invitae), Labcorp
Classification: Likely benign for Ornithine carbamoyltransferase deficiency. Last evaluated: 2024-08-20. Review status: criteria provided, single submitter. Criteria: Invitae Variant Classification Sherloc (09022015). Collection method: clinical testing. Allele origin: germline.

PreventionGenetics, part of Exact Sciences
Classification: Likely benign for OTC-related condition. Last evaluated: 2024-04-20. Review status: no assertion criteria provided. Collection method: clinical testing. Allele origin: germline. Not counted in ClinVar's aggregate classification.
Comment: This variant is classified as likely benign based on ACMG/AMP sequence variant interpretation guidelines (Richards et al. 2015 PMID: 25741868, with internal and published modifications).

NM_000531.6(OTC):c.381G>A (p.Thr127=)

Gene: OTC (ornithine transcarbamylase; plus strand). Cytogenetic location: Xp11.4.
Variant type: single nucleotide variant.
Coding change: c.381G>A on transcript NM_000531.6 (MANE Select); coding-DNA position 381, G replaced by A.
Protein change: p.Thr127=; no amino-acid change (threonine 127 retained).
Molecular consequence: synonymous variant.
Genome position (GRCh38, 1-based): chrX:38,381,424, G>A. VCF-style: chrX-38381424-G-A. GRCh37 (hg19) VCF-style: chrX-38240677-G-A.
Other names: c.381G>A (NM_000531.5); c.381G>A, p.Thr127= (NM_001407092.1).
Identifiers: ClinVar variation 2167733 (VCV002167733.5), dbSNP rs2068376283, ClinGen allele CA515647053.
Genomic context (GRCh38, chrX:38,381,424, plus strand): 5'-TCCTTGTTTTCTTACCACACAAGATATTCATTTGGGTGTGAATGAAAGTCTCACGGACAC[G>A]GCCCGGTTTGTAAATATTTTCTTCTCTCCAAAGCTGATTTCAGAATCTGATGGATAAATT-3'
Protein context (NP_000522.3, residues 117-137): HLGVNESLTD[Thr127=]ARVLSSMADA